The following is an entry in ClinVar:

NM_001267560.2(TJP3):c.2406C>T (p.Arg802=)

Gene: TJP3 (tight junction protein 3; plus strand). Cytogenetic location: 19p13.3.
Variant type: single nucleotide variant.
Coding change: c.2406C>T on transcript NM_001267560.2 (MANE Select); coding-DNA position 2406, C replaced by T.
Protein change: p.Arg802=; no amino-acid change (arginine 802 retained).
Molecular consequence: synonymous variant.
Genome position (GRCh38, 1-based): chr19:3,747,877, C>T. VCF-style: chr19-3747877-C-T. GRCh37 (hg19) VCF-style: chr19-3747875-C-T.
Other names: c.2433C>T, p.Arg811= (NM_001267561.2).
Identifiers: ClinVar variation 2649011 (VCV002649011.24), dbSNP rs145172486, ClinGen allele CA9083950.

ClinVar aggregate classification (germline): Likely benign (1 of 4 stars; one submission).

Allele frequency attached by ClinVar (database versions not stated): gnomAD exomes 0.00017; gnomAD 0.00151; 1000 Genomes Project 30x 0.00156; ESP Exome Variant Server 0.00162; TOPMed 0.00188; ExAC 0.00051; 1000 Genomes Project 0.00140.
gnomAD v4.1: 486 of 1,613,028 alleles (0.03%); highest among the groups gnomAD compares: African/African-American, 0.56%; 2 homozygotes.

Submission:

CeGaT Center for Human Genetics Tuebingen
Classification: Likely benign. Last evaluated: 2022-09-01. Review status: criteria provided, single submitter. Criteria: CeGaT Center For Human Genetics Tuebingen Variant Classification Criteria Version 2. Collection method: clinical testing. Allele origin: germline. Affected: yes. Observed: 1 variant allele.
Comment: TJP3: BP4, BP7